The following is an entry in ClinVar:

NM_015122.3(FCHO1):c.2237C>T (p.Pro746Leu)

Gene: FCHO1 (FCH and mu domain containing endocytic adaptor 1; plus strand). Cytogenetic location: 19p13.11.
Variant type: single nucleotide variant.
Coding change: c.2237C>T on transcript NM_015122.3 (MANE Select); coding-DNA position 2237, C replaced by T.
Protein change: p.Pro746Leu; replaces proline 746 with leucine.
Molecular consequence: missense variant. On other transcripts: non-coding transcript variant (35), intron variant (6).
Genome position (GRCh38, 1-based): chr19:17,784,735, C>T. VCF-style: chr19-17784735-C-T. GRCh37 (hg19) VCF-style: chr19-17895544-C-T.
Other names: c.2237C>T, p.Pro746Leu (NM_001161357.2, NM_001161358.2, NM_001384370.1 and 11 more transcripts); c.2087C>T, p.Pro696Leu (NM_001161359.2, NM_001384384.1, NM_001384385.1 and 1 more transcripts); c.2198C>T, p.Pro733Leu (NM_001384388.1, NM_001384389.1); c.2162C>T, p.Pro721Leu (NM_001384390.1); c.2120C>T, p.Pro707Leu (NM_001384392.1, NM_001384393.1, NM_001384394.1 and 1 more transcripts); c.1961C>T, p.Pro654Leu (NM_001384396.1, NM_001384397.1, NM_001384398.1 and 4 more transcripts); c.1916C>T, p.Pro639Leu (NM_001384403.1); c.1950+500C>T (NM_001384404.1); and 5 more; short protein forms P654L, P707L, P746L, P721L, P733L, P639L, P696L.
Identifiers: ClinVar variation 1354963 (VCV001354963.8), dbSNP rs766356099, ClinGen allele CA9300820.
Genomic context (GRCh38, chr19:17,784,735, plus strand): 5'-AGACAGGATGGCCCAAGCTGTGTCCTCTCTCTCATTCTCATTCTTCCTAGTTCTCCCGCC[C>T]GGGTCCCCAGTCTGTGCCTCTGCAGCTCAGTGCCCACTGGCAGTGTGGAGCCACCCTCAC-3'
Protein context (NP_055937.1, residues 736-756): VVLLRYQFSR[Pro746Leu]GPQSVPLQLS

ClinVar aggregate classification (germline): Uncertain significance (1 of 4 stars; one submission).

Allele frequency attached by ClinVar (database versions not stated): gnomAD exomes below 0.00001 and 0.00002; ExAC 0.00001; gnomAD 0.00001.
gnomAD v4.1: 25 of 1,613,836 alleles (0.0015%); highest among the groups gnomAD compares: Non-Finnish European, 0.0017%; no homozygotes.

Submission:

Labcorp Genetics (formerly Invitae), Labcorp
Classification: Uncertain significance. Last evaluated: 2022-08-15. Review status: criteria provided, single submitter. Criteria: Invitae Variant Classification Sherloc (09022015). Collection method: clinical testing. Allele origin: germline.
Comment: This sequence change replaces proline, which is neutral and non-polar, with leucine, which is neutral and non-polar, at codon 746 of the FCHO1 protein (p.Pro746Leu). In summary, the available evidence is currently insufficient to determine the role of this variant in disease. Therefore, it has been classified as a Variant of Uncertain Significance. Algorithms developed to predict the effect of missense changes on protein structure and function (SIFT, PolyPhen-2, Align-GVGD) all suggest that this variant is likely to be disruptive. ClinVar contains an entry for this variant (Variation ID: 1354963). This variant has not been reported in the literature in individuals affected with FCHO1-related conditions. The frequency data for this variant in the population databases is considered unreliable, as metrics indicate poor data quality at this position in the gnomAD database.